The following is an entry in ClinVar:

NM_003640.5(ELP1):c.466+5G>C

Gene: ELP1 (elongator acetyltransferase complex subunit 1; minus strand). Cytogenetic location: 9q31.3.
Variant type: single nucleotide variant.
Coding change: c.466+5G>C on transcript NM_003640.5 (MANE Select); 5 bases into the intron after coding-DNA position 466, G replaced by C.
Molecular consequence: intron variant.
Genome position (GRCh38, 1-based): chr9:108,926,518, C>G on the plus strand (G>C on the coding strand, the complement: ELP1 is on the minus strand). VCF-style: chr9-108926518-C-G. GRCh37 (hg19) VCF-style: chr9-111688798-C-G.
Other names: c.124+5G>C (NM_001318360.2); c.-394+5G>C (NM_001330749.2).
Identifiers: ClinVar variation 853958 (VCV000853958.7), dbSNP rs745386940, ClinGen allele CA5175360.

ClinVar aggregate classification (germline): Uncertain significance. Review status: criteria provided, multiple submitters, no conflicts (2 of 4 stars). 3 submissions from 3 submitters: Uncertain significance (2). 1 of the submissions does not count toward it. Last evaluated 2024-11-11.

Conditions:
Familial dysautonomia. Also called: HSAN III; FD. Identifiers: Orphanet 1764, MedGen C0013364, MONDO:0009131, OMIM 223900. Disease mechanism: loss of function.

Allele frequency attached by ClinVar (database versions not stated): gnomAD exomes below 0.00001; ExAC 0.00001.
gnomAD v4.1: 10 of 1,609,676 alleles (0.00062%); highest among the groups gnomAD compares: African/African-American, 0.0067%; no homozygotes.

Submissions (3):

Labcorp Genetics (formerly Invitae), Labcorp
Classification: Uncertain significance. Last evaluated: 2024-11-11. Review status: criteria provided, single submitter. Criteria: Invitae Variant Classification Sherloc (09022015). Collection method: clinical testing. Allele origin: germline.
Comment: This sequence change falls in intron 5 of the ELP1 gene. It does not directly change the encoded amino acid sequence of the ELP1 protein. It affects a nucleotide within the consensus splice site. This variant is not present in population databases (gnomAD no frequency). This variant has not been reported in the literature in individuals affected with ELP1-related conditions. ClinVar contains an entry for this variant (Variation ID: 853958). Variants that disrupt the consensus splice site are a relatively common cause of aberrant splicing (PMID: 17576681, 9536098). Algorithms developed to predict the effect of sequence changes on RNA splicing suggest that this variant may disrupt the consensus splice site. In summary, the available evidence is currently insufficient to determine the role of this variant in disease. Therefore, it has been classified as a Variant of Uncertain Significance.

Mayo Clinic Laboratories, Mayo Clinic
Classification: Uncertain significance. Last evaluated: 2024-06-06. Review status: criteria provided, single submitter. Criteria: ACMG Guidelines, 2015. Collection method: clinical testing. Allele origin: germline. Observed: 1 variant allele.

Natera, Inc.
Classification: Uncertain significance for Familial dysautonomia. Last evaluated: 2020-09-16. Review status: no assertion criteria provided. Collection method: clinical testing. Allele origin: germline. Not counted in ClinVar's aggregate classification.

Literature cited by the submitters: PubMed 17576681 (cited by Labcorp Genetics (formerly Invitae), Labcorp); PubMed 9536098 (cited by Labcorp Genetics (formerly Invitae), Labcorp).